The following is an entry in ClinVar:

NM_000245.4(MET):c.3313A>G (p.Ile1105Val)

Gene: MET (MET proto-oncogene, receptor tyrosine kinase; plus strand). Cytogenetic location: 7q31.2.
Variant type: single nucleotide variant.
Coding change: c.3313A>G on transcript NM_000245.4 (MANE Select); coding-DNA position 3313, A replaced by G.
Protein change: p.Ile1105Val; replaces isoleucine 1105 with valine.
Molecular consequence: missense variant.
Genome position (GRCh38, 1-based): chr7:116,777,442, A>G. VCF-style: chr7-116777442-A-G. GRCh37 (hg19) VCF-style: chr7-116417496-A-G.
Other names: c.3367A>G, p.Ile1123Val (NM_001127500.3); c.2023A>G, p.Ile675Val (NM_001324402.2); short protein forms I1105V, I1123V, I675V.
Identifiers: ClinVar variation 1381758 (VCV001381758.6), dbSNP rs2117040207, ClinGen allele CA368989720.
Genomic context (GRCh38, chr7:116,777,442, plus strand): 5'-TGCACAGGGCATTTTGGTTGTGTATATCATGGGACTTTGTTGGACAATGATGGCAAGAAA[A>G]TTCACTGTGCTGTGAAATCCTTGAACAGTAAGTGGCATTTTATTTAACCATGGAGTATAC-3'
Protein context (NP_000236.2, residues 1095-1115): GTLLDNDGKK[Ile1105Val]HCAVKSLNRI

ClinVar aggregate classification (germline): Uncertain significance (1 of 4 stars; one submission).

Conditions:
Renal cell carcinoma. Identifiers: Orphanet 217071, MedGen C0007134, MeSH D002292, MONDO:0005086, HP:0005584.

Submission:

Labcorp Genetics (formerly Invitae), Labcorp
Classification: Uncertain significance for Renal cell carcinoma. Last evaluated: 2024-10-25. Review status: criteria provided, single submitter. Criteria: Invitae Variant Classification Sherloc (09022015). Collection method: clinical testing. Allele origin: germline.
Comment: This sequence change replaces isoleucine, which is neutral and non-polar, with valine, which is neutral and non-polar, at codon 1123 of the MET protein (p.Ile1123Val). This variant is not present in population databases (gnomAD no frequency). This variant has not been reported in the literature in individuals affected with MET-related conditions. ClinVar contains an entry for this variant (Variation ID: 1381758). Invitae Evidence Modeling of protein sequence and biophysical properties (such as structural, functional, and spatial information, amino acid conservation, physicochemical variation, residue mobility, and thermodynamic stability) indicates that this missense variant is not expected to disrupt MET protein function with a negative predictive value of 80%. In summary, the available evidence is currently insufficient to determine the role of this variant in disease. Therefore, it has been classified as a Variant of Uncertain Significance.